The following is an entry in ClinVar:

NM_138420.4(AHNAK2):c.6219G>A (p.Lys2073=)

Gene: AHNAK2 (AHNAK nucleoprotein 2; minus strand). Cytogenetic location: 14q32.33.
Variant type: single nucleotide variant.
Coding change: c.6219G>A on transcript NM_138420.4 (MANE Select); coding-DNA position 6219, G replaced by A.
Protein change: p.Lys2073=; no amino-acid change (lysine 2073 retained).
Molecular consequence: synonymous variant.
Genome position (GRCh38, 1-based): chr14:104,949,232, C>T on the plus strand (G>A on the coding strand, the complement: AHNAK2 is on the minus strand). VCF-style: chr14-104949232-C-T. GRCh37 (hg19) VCF-style: chr14-105415569-C-T.
Other names: c.5919G>A, p.Lys1973= (NM_001350929.2).
Identifiers: ClinVar variation 3388560 (VCV003388560.14).

ClinVar aggregate classification (germline): Likely benign (1 of 4 stars; one submission).

gnomAD v4.1: 439 of 1,070,326 alleles (0.041%); highest among the groups gnomAD compares: African/African-American, 0.56%; 2 homozygotes.

Submission:

CeGaT Center for Human Genetics Tuebingen
Classification: Likely benign. Last evaluated: 2024-11-01. Review status: criteria provided, single submitter. Criteria: CeGaT Center For Human Genetics Tuebingen Variant Classification Criteria Version 2. Collection method: clinical testing. Allele origin: germline. Affected: yes. Observed: 1 variant allele.
Comment: AHNAK2: BP4